The following is an entry in ClinVar:

NM_001621.5(AHR):c.808A>G (p.Thr270Ala)

Gene: AHR (aryl hydrocarbon receptor; plus strand). Cytogenetic location: 7p21.1.
Variant type: single nucleotide variant.
Coding change: c.808A>G on transcript NM_001621.5 (MANE Select); coding-DNA position 808, A replaced by G.
Protein change: p.Thr270Ala; replaces threonine 270 with alanine.
Molecular consequence: missense variant.
Genome position (GRCh38, 1-based): chr7:17,334,014, A>G. VCF-style: chr7-17334014-A-G. GRCh37 (hg19) VCF-style: chr7-17373638-A-G.
Other names: short protein forms T270A.
Identifiers: ClinVar variation 1475399 (VCV001475399.8), dbSNP rs746512401, ClinGen allele CA4171944.

ClinVar aggregate classification (germline): Uncertain significance (1 of 4 stars; one submission).

Allele frequency attached by ClinVar (database versions not stated): gnomAD exomes below 0.00001; ExAC 0.00001.
gnomAD v4.1: 1 of 1,613,418 alleles (0.000062%); highest among the groups gnomAD compares: Non-Finnish European, 0.000085%; no homozygotes.

Submission:

Labcorp Genetics (formerly Invitae), Labcorp
Classification: Uncertain significance. Last evaluated: 2022-06-20. Review status: criteria provided, single submitter. Criteria: Invitae Variant Classification Sherloc (09022015). Collection method: clinical testing. Allele origin: germline.
Comment: This variant has not been reported in the literature in individuals affected with AHR-related conditions. This variant is present in population databases (rs746512401, gnomAD 0.004%). This sequence change replaces threonine, which is neutral and polar, with alanine, which is neutral and non-polar, at codon 270 of the AHR protein (p.Thr270Ala). In summary, the available evidence is currently insufficient to determine the role of this variant in disease. Therefore, it has been classified as a Variant of Uncertain Significance. Algorithms developed to predict the effect of missense changes on protein structure and function are either unavailable or do not agree on the potential impact of this missense change (SIFT: "Deleterious"; PolyPhen-2: "Benign"; Align-GVGD: "Class C55").